The following is an entry in ClinVar:

ClinVar aggregate classification (germline): Likely benign. Review status: criteria provided, multiple submitters, no conflicts (2 of 4 stars). 2 submissions from 2 submitters: Likely benign (2). Last evaluated 2025-08-14.

Conditions:
COL18A1-related disorder. Also called: COL18A1-related disorders; COL18A1-related condition.

Allele frequency attached by ClinVar (database versions not stated): ExAC 0.00001; gnomAD 0.00001; gnomAD exomes 0.00001.
gnomAD v4.1: 9 of 1,613,824 alleles (0.00056%); highest among the groups gnomAD compares: Middle Eastern, 0.016%; no homozygotes.

Submissions (2):

PreventionGenetics, part of Exact Sciences
Classification: Likely benign for COL18A1-related condition. Last evaluated: 2025-08-14. Review status: criteria provided, single submitter. Criteria: ACMG Guidelines, 2015. Collection method: clinical testing. Allele origin: germline.
Comment: This variant is classified as likely benign based on ACMG/AMP sequence variant interpretation guidelines (Richards et al. 2015 PMID: 25741868, with internal and published modifications).

Labcorp Genetics (formerly Invitae), Labcorp
Classification: Likely benign. Last evaluated: 2024-11-25. Review status: criteria provided, single submitter. Criteria: Invitae Variant Classification Sherloc (09022015). Collection method: clinical testing. Allele origin: germline.

NM_001379500.1(COL18A1):c.477C>T (p.Val159=)

Gene: COL18A1 (collagen type XVIII alpha 1 chain; plus strand). Cytogenetic location: 21q22.3.
Variant type: single nucleotide variant.
Coding change: c.477C>T on transcript NM_001379500.1 (MANE Select); coding-DNA position 477, C replaced by T.
Protein change: p.Val159=; no amino-acid change (valine 159 retained).
Molecular consequence: synonymous variant.
Genome position (GRCh38, 1-based): chr21:45,468,612, C>T. VCF-style: chr21-45468612-C-T. GRCh37 (hg19) VCF-style: chr21-46888526-C-T.
Other names: c.1017C>T (NM_030582.3); c.1017C>T, p.Val339= (NM_030582.4); c.1722C>T, p.Val574= (NM_130444.3).
Identifiers: ClinVar variation 1952881 (VCV001952881.6), dbSNP rs745792462, ClinGen allele CA10065759.